The following is an entry in ClinVar:

ClinVar aggregate classification (germline): Conflicting classifications of pathogenicity. Review status: criteria provided, conflicting classifications (1 of 4 stars). 3 submissions from 3 submitters: Uncertain significance (2); Likely benign (1). Last evaluated 2025-09-16.

Conditions:
Hereditary hemorrhagic telangiectasia (HHT). Also called: ORW DISEASE; Osler Weber Rendu syndrome; OSLER-RENDU-WEBER DISEASE; Osler hemorrhagic telangiectasia syndrome. Identifiers: Orphanet 774, MedGen C0039445, MONDO:0019180. Disease mechanism: loss of function.
Cardiovascular phenotype. Identifiers: MedGen CN230736.
Telangiectasia, hereditary hemorrhagic, type 1 (HHT1). Also called: Osler Weber Rendu syndrome type 1; ENG-Related Hereditary Hemorrhagic Telangiectasia. Identifiers: Orphanet 774, MedGen C4551861, MONDO:0008535, OMIM 187300. Disease mechanism: loss of function.

Allele frequency attached by ClinVar (database versions not stated): gnomAD exomes 0.00001; gnomAD 0.00001 and 0.00002; TOPMed 0.00002.
gnomAD v4.1: 12 of 1,582,118 alleles (0.00076%); highest among the groups gnomAD compares: Non-Finnish European, 0.00094%; no homozygotes.

Submissions (3):

Ambry Genetics
Classification: Likely benign for Cardiovascular phenotype. Last evaluated: 2025-09-16. Review status: criteria provided, single submitter. Criteria: Ambry Variant Classification Scheme 2023. Collection method: clinical testing. Allele origin: germline.

Labcorp Genetics (formerly Invitae), Labcorp
Classification: Uncertain significance for Hereditary hemorrhagic telangiectasia. Last evaluated: 2025-03-16. Review status: criteria provided, single submitter. Criteria: Invitae Variant Classification Sherloc (09022015). Collection method: clinical testing. Allele origin: germline.
Comment: This sequence change replaces alanine, which is neutral and non-polar, with aspartic acid, which is acidic and polar, at codon 229 of the ENG protein (p.Ala229Asp). This variant is not present in population databases (gnomAD no frequency). This variant has not been reported in the literature in individuals affected with ENG-related conditions. ClinVar contains an entry for this variant (Variation ID: 618088). Invitae Evidence Modeling of protein sequence and biophysical properties (such as structural, functional, and spatial information, amino acid conservation, physicochemical variation, residue mobility, and thermodynamic stability) indicates that this missense variant is not expected to disrupt ENG protein function with a negative predictive value of 95%. In summary, the available evidence is currently insufficient to determine the role of this variant in disease. Therefore, it has been classified as a Variant of Uncertain Significance.

ARUP Laboratories, Molecular Genetics and Genomics, ARUP Laboratories
Classification: Uncertain significance for Telangiectasia, hereditary hemorrhagic, type 1. Last evaluated: 2019-12-10. Review status: criteria provided, single submitter. Criteria: ARUP Molecular Germline Variant Investigation Process. Collection method: clinical testing. Allele origin: germline. Inheritance: Autosomal dominant inheritance.
Comment: The ENG c.686C>A; p.Ala229Asp variant (rs971190119), to our knowledge, is not reported in the medical literature or gene specific databases. This variant is also absent from general population databases (1000 Genomes Project, Exome Variant Server, Genome Aggregation Database), indicating it is not a common polymorphism. The alanine at codon 229 is not highly conserved, and computational analyses (SIFT, Align GVGD, MutationTaster) predict that this variant is tolerated. However, due to limited information, the clinical significance of the p.Ala229Asp variant is uncertain at this time.

NM_001114753.3(ENG):c.686C>A (p.Ala229Asp)

Gene: ENG (endoglin; minus strand). Cytogenetic location: 9q34.11.
Variant type: single nucleotide variant.
Coding change: c.686C>A on transcript NM_001114753.3 (MANE Select); coding-DNA position 686, C replaced by A.
Protein change: p.Ala229Asp; replaces alanine 229 with aspartic acid.
Molecular consequence: missense variant.
Genome position (GRCh38, 1-based): chr9:127,825,698, G>T on the plus strand (C>A on the coding strand, the complement: ENG is on the minus strand). VCF-style: chr9-127825698-G-T. GRCh37 (hg19) VCF-style: chr9-130587977-G-T.
Other names: c.686C>A (NM_001114753.1); c.686C>A, p.Ala229Asp (NM_000118.4, NM_001406715.1); c.140C>A, p.Ala47Asp (NM_001278138.2); short protein forms A229D, A47D.
Identifiers: ClinVar variation 618088 (VCV000618088.17), dbSNP rs971190119, ClinGen allele CA200313993.